The following is an entry in ClinVar:

NM_005475.3(SH2B3):c.584C>T (p.Ala195Val)

Gene: SH2B3 (SH2B adaptor protein 3; plus strand). Cytogenetic location: 12q24.12.
Variant type: single nucleotide variant.
Coding change: c.584C>T on transcript NM_005475.3 (MANE Select); coding-DNA position 584, C replaced by T.
Protein change: p.Ala195Val; replaces alanine 195 with valine.
Molecular consequence: missense variant.
Genome position (GRCh38, 1-based): chr12:111,418,729, C>T. VCF-style: chr12-111418729-C-T. GRCh37 (hg19) VCF-style: chr12-111856533-C-T.
Other names: short protein forms A195V.
Identifiers: ClinVar variation 3953521 (VCV003953521.1).

ClinVar aggregate classification (germline): Uncertain significance (1 of 4 stars; one submission).

Conditions:
Inborn genetic diseases. Identifiers: MedGen C0950123, MeSH D030342.

Submission:

Ambry Genetics
Classification: Uncertain significance for Inborn genetic diseases. Last evaluated: 2025-05-23. Review status: criteria provided, single submitter. Criteria: Ambry Variant Classification Scheme 2023. Collection method: clinical testing. Allele origin: germline.
Comment: The p.A195V variant (also known as c.584C>T), located in coding exon 1 of the SH2B3 gene, results from a C to T substitution at nucleotide position 584. The alanine at codon 195 is replaced by valine, an amino acid with similar properties. This amino acid position is conserved. In addition, this alteration is predicted to be tolerated by in silico analysis. Based on the available evidence, the clinical significance of this variant remains unclear.